The following is an entry in ClinVar:

NM_001200.4(BMP2):c.405_409del (p.Asn135fs)

Gene: BMP2 (bone morphogenetic protein 2; plus strand). Cytogenetic location: 20p12.3.
Variant type: Microsatellite.
Coding change: c.405_409del on transcript NM_001200.4 (MANE Select); coding-DNA positions 405 to 409, 5 bases deleted (TTTAA; older notation c.405_409delTTTAA).
Protein change: p.Asn135fs; shifts the reading frame from asparagine 135.
Molecular consequence: frameshift variant.
Genome position (GRCh38, 1-based): chr20:6,778,303-6,778,307, TTTAA deleted; deleting any 5 consecutive bases within chr20:6,778,298-6,778,307 gives the same sequence; the c. name uses the placement nearest the transcript's 3' end. VCF-style (leftmost placement, unchanged base first): chr20-6778297-CTTTAA-C. GRCh37 (hg19) VCF-style: chr20-6758944-CTTTAA-C.
Other names: short protein forms N135fs.
Identifiers: ClinVar variation 2506485 (VCV002506485.3), dbSNP rs2514426253, ClinGen allele CA2580614993.

ClinVar aggregate classification (germline): Pathogenic/Likely pathogenic. Review status: criteria provided, multiple submitters, no conflicts (2 of 4 stars). 2 submissions from 2 submitters: Pathogenic (1); Likely pathogenic (1). Last evaluated 2024-04-16.

Conditions:
Short stature, facial dysmorphism, and skeletal anomalies with or without cardiac anomalies 1. Identifiers: MedGen C5542952, MONDO:0100297, OMIM 617877.

Submissions (2):

Labcorp Genetics (formerly Invitae), Labcorp
Classification: Pathogenic. Last evaluated: 2024-04-16. Review status: criteria provided, single submitter. Criteria: Invitae Variant Classification Sherloc (09022015). Collection method: clinical testing. Allele origin: germline.
Comment: This sequence change creates a premature translational stop signal (p.Asn135Lysfs*29) in the BMP2 gene. While this is not anticipated to result in nonsense mediated decay, it is expected to disrupt the last 262 amino acid(s) of the BMP2 protein. This variant is not present in population databases (gnomAD no frequency). This variant has not been reported in the literature in individuals affected with BMP2-related conditions. This variant disrupts a region of the BMP2 protein in which other variant(s) (p.Cys329*) have been determined to be pathogenic (PMID: 29198724). This suggests that this is a clinically significant region of the protein, and that variants that disrupt it are likely to be disease-causing. For these reasons, this variant has been classified as Pathogenic.

Eurofins-Biomnis
Classification: Likely pathogenic for Short stature, facial dysmorphism, and skeletal anomalies with or without cardiac anomalies 1. Last evaluated: 2022-09-23. Review status: criteria provided, single submitter. Criteria: Accession Criteria ClinVar Biomnis. Collection method: clinical testing. Allele origin: germline. Affected: yes. Observed: 1 heterozygote.

Literature cited by the submitters: PubMed 29198724 (cited by Labcorp Genetics (formerly Invitae), Labcorp).